The following is an entry in ClinVar:

ClinVar aggregate classification (germline): Uncertain significance (1 of 4 stars; one submission).

Conditions:
Hereditary cancer-predisposing syndrome. Also called: Neoplastic Syndromes, Hereditary; Tumor predisposition; Hereditary Cancer Syndrome; Hereditary neoplastic syndrome. Identifiers: Orphanet 140162, MedGen C0027672, MeSH D009386, MONDO:0015356.

Submission:

Color Diagnostics, LLC DBA Color Health
Classification: Uncertain significance for Hereditary cancer-predisposing syndrome. Last evaluated: 2024-12-23. Review status: criteria provided, single submitter. Criteria: ACMG Guidelines, 2015. Collection method: clinical testing. Allele origin: germline.
Comment: This missense variant replaces valine with isoleucine at codon 1528 of the APC protein. Computational prediction suggests that this variant may not impact protein structure and function (internally defined REVEL score threshold <= 0.5, PMID: 27666373). To our knowledge, functional studies have not been reported for this variant. This variant has not been reported in individuals affected with APC-related disorders in the literature. This variant has been identified in 1/31384 chromosomes in the general population by the Genome Aggregation Database (gnomAD). The available evidence is insufficient to determine the role of this variant in disease conclusively. Therefore, this variant is classified as a Variant of Uncertain Significance.

NM_000038.6(APC):c.4582G>A (p.Val1528Ile)

Gene: APC (APC regulator of Wnt signaling pathway; plus strand). Cytogenetic location: 5q22.2.
Variant type: single nucleotide variant.
Coding change: c.4582G>A on transcript NM_000038.6 (MANE Select); coding-DNA position 4582, G replaced by A.
Protein change: p.Val1528Ile; replaces valine 1528 with isoleucine.
Molecular consequence: missense variant. On other transcripts: non-coding transcript variant (2).
Genome position (GRCh38, 1-based): chr5:112,840,176, G>A. VCF-style: chr5-112840176-G-A. GRCh37 (hg19) VCF-style: chr5-112175873-G-A.
Other names: c.4582G>A, p.Val1528Ile (NM_001127510.3, NM_001354895.2, NM_001407450.1); c.4528G>A, p.Val1510Ile (NM_001127511.3); c.4636G>A, p.Val1546Ile (NM_001354896.2, NM_001407447.1, NM_001407448.1 and 1 more transcripts); c.4612G>A, p.Val1538Ile (NM_001354897.2); c.4507G>A, p.Val1503Ile (NM_001354898.2); c.4498G>A, p.Val1500Ile (NM_001354899.2); c.4459G>A, p.Val1487Ile (NM_001354900.2); c.4405G>A, p.Val1469Ile (NM_001354901.2, NM_001407453.1); and 11 more; short protein forms V1144I, V1245I, V1368I, V1399I, V1402I, V1427I, V1437I, V1445I.
Identifiers: ClinVar variation 3893912 (VCV003893912.1).